The following is an entry in ClinVar:

NM_007198.4(PLPBP):c.86C>T (p.Ala29Val)

Genes: PLPBP (pyridoxal phosphate binding protein; plus strand), LOC113788277 (Sharpr-MPRA regulatory region 13802; plus strand). Cytogenetic location: 8p11.23.
Variant type: single nucleotide variant.
Coding change: c.86C>T on transcript NM_007198.4 (MANE Select); coding-DNA position 86, C replaced by T.
Protein change: p.Ala29Val; replaces alanine 29 with valine.
Molecular consequence: missense variant. On other transcripts: intron variant (1).
Genome position (GRCh38, 1-based): chr8:37,762,745, C>T. VCF-style: chr8-37762745-C-T. GRCh37 (hg19) VCF-style: chr8-37620263-C-T.
Other names: c.86C>T, p.Ala29Val (NM_001349346.2, NM_001349347.2); c.191C>T, p.Ala64Val (NM_001349349.1); c.-58+45C>T (NM_001349348.2); short protein forms A29V, A64V.
Identifiers: ClinVar variation 1213761 (VCV001213761.2), dbSNP rs1021675702, ClinGen allele CA175030455.

ClinVar aggregate classification (germline): Uncertain significance. Review status: criteria provided, multiple submitters, no conflicts (2 of 4 stars). 2 submissions from 2 submitters: Uncertain significance (2). Last evaluated 2025-05-13.

Conditions:
Epilepsy, early-onset, vitamin B6-dependent. Also called: PLPBP Deficiency; EPILEPSY, EARLY-ONSET, 1, VITAMIN B6-DEPENDENT. Identifiers: MedGen C4310632, MONDO:0015005, OMIM 617290.

Allele frequency attached by ClinVar (database versions not stated): gnomAD 0.00001.
gnomAD v4.1: 3 of 1,567,538 alleles (0.00019%); highest among the groups gnomAD compares: African/African-American, 0.0027%; no homozygotes.

Submissions (2):

Labcorp Genetics (formerly Invitae), Labcorp
Classification: Uncertain significance. Last evaluated: 2025-05-13. Review status: criteria provided, single submitter. Criteria: Invitae Variant Classification Sherloc (09022015). Collection method: clinical testing. Allele origin: germline.
Comment: This sequence change replaces alanine, which is neutral and non-polar, with valine, which is neutral and non-polar, at codon 29 of the PROSC protein (p.Ala29Val). This variant is not present in population databases (gnomAD no frequency). This variant has not been reported in the literature in individuals affected with PROSC-related conditions. ClinVar contains an entry for this variant (Variation ID: 1213761). Invitae Evidence Modeling of protein sequence and biophysical properties (such as structural, functional, and spatial information, amino acid conservation, physicochemical variation, residue mobility, and thermodynamic stability) indicates that this missense variant is not expected to disrupt PROSC protein function with a negative predictive value of 80%. In summary, the available evidence is currently insufficient to determine the role of this variant in disease. Therefore, it has been classified as a Variant of Uncertain Significance.

New York Genome Center
Classification: Uncertain significance for Epilepsy, early-onset, vitamin B6-dependent. Last evaluated: 2020-08-14. Review status: criteria provided, single submitter. Criteria: NYGC Assertion Criteria 2020. Collection method: clinical testing. Allele origin: inherited. Observed: 1 heterozygote. Study: CSER-NYCKidSeq.